The following is an entry in ClinVar:

ClinVar aggregate classification (germline): Uncertain significance (1 of 4 stars; one submission).

Conditions:
Catecholaminergic polymorphic ventricular tachycardia (CVPT). Also called: Catecholamine-induced polymorphic ventricular tachycardia. Identifiers: Orphanet 3286, MedGen C5574922, MONDO:0017990.

Allele frequency attached by ClinVar (database versions not stated): gnomAD exomes below 0.00001.
gnomAD v4.1: 1 of 1,556,942 alleles (0.000064%); highest among the groups gnomAD compares: Non-Finnish European, 0.000087%; no homozygotes.

Submission:

All of Us Research Program, National Institutes of Health
Classification: Uncertain significance for Catecholaminergic polymorphic ventricular tachycardia. Last evaluated: 2023-04-10. Review status: criteria provided, single submitter. Criteria: ACMG Guidelines, 2015. Collection method: clinical testing. Allele origin: germline. Inheritance: Autosomal dominant inheritance. Observed: 1 variant allele, 1 heterozygote.
Comment: This variant causes a G to A nucleotide substitution at the +3 position of intron 6 of the RYR2 gene. To our knowledge, functional studies have not been reported for this variant. This variant has not been reported in individuals affected with RYR2-related disorders in the literature. This variant has not been identified in the general population by the Genome Aggregation Database (gnomAD). The available evidence is insufficient to determine the role of this variant in disease conclusively. Therefore, this variant is classified as a Variant of Uncertain Significance.

This study involves interpretation of variants in research participants for the purpose of population health screening. Participant phenotype was not available at the time of variant classification. Additional details can be found in publication PMID: 35346344, PMCID: PMC8962531

NM_001035.3(RYR2):c.384+3G>A

Gene: RYR2 (ryanodine receptor 2; plus strand). Cytogenetic location: 1q43.
Variant type: single nucleotide variant.
Coding change: c.384+3G>A on transcript NM_001035.3 (MANE Select); 3 bases into the intron after coding-DNA position 384, G replaced by A.
Molecular consequence: intron variant.
Genome position (GRCh38, 1-based): chr1:237,369,611, G>A. VCF-style: chr1-237369611-G-A. GRCh37 (hg19) VCF-style: chr1-237532911-G-A.
Identifiers: ClinVar variation 3070466 (VCV003070466.1), dbSNP rs2529841417, ClinGen allele CA2651197054.